The following is an entry in ClinVar:

NM_001349206.2(LPIN1):c.990C>T (p.Ser330=)

Gene: LPIN1 (lipin 1; plus strand). Cytogenetic location: 2p25.1.
Variant type: single nucleotide variant.
Coding change: c.990C>T on transcript NM_001349206.2 (MANE Select); coding-DNA position 990, C replaced by T.
Protein change: p.Ser330=; no amino-acid change (serine 330 retained).
Molecular consequence: synonymous variant. On other transcripts: non-coding transcript variant (1).
Genome position (GRCh38, 1-based): chr2:11,782,233, C>T. VCF-style: chr2-11782233-C-T. GRCh37 (hg19) VCF-style: chr2-11922359-C-T.
Other names: p.Ser294=; c.900C>T, p.Ser300= (NM_001261427.3); c.1137C>T, p.Ser379= (NM_001261428.3); c.882C>T, p.Ser294= (NM_001349199.2, NM_001349200.2, NM_001349201.2 and 1 more transcripts); c.987C>T, p.Ser329= (NM_001349202.2, NM_001349203.2); c.990C>T, p.Ser330= (NM_001349204.2, NM_001349205.2); c.1080C>T, p.Ser360= (NM_001349207.2); c.1029C>T, p.Ser343= (NM_001349208.2); and 1 more.
Identifiers: ClinVar variation 1651976 (VCV001651976.12), dbSNP rs149258691, ClinGen allele CA1533576.
Genomic context (GRCh38, chr2:11,782,233, plus strand): 5'-CTCTGTCCCTCTCTCCTCTTTGCTCTAGTCTTCTTCTCCACACAAGATGAAAGAGTCCAG[C>T]CCATTGAGCAGTAGAAAAATTTGTGATAAAAGTCACTTTCAGGCCATTCACAGCGAATCT-3'
Protein context (NP_001336135.1, residues 320-340): SSSPHKMKES[Ser330=]PLSSRKICDK

ClinVar aggregate classification (germline): Likely benign. Review status: criteria provided, multiple submitters, no conflicts (2 of 4 stars). 4 submissions from 4 submitters: Likely benign (3). 1 of the submissions does not count toward it. Last evaluated 2025-10-23.

Conditions:
LPIN1-related disorder. Also called: LPIN1-related condition.

Allele frequency attached by ClinVar (database versions not stated): gnomAD exomes 0.00003 and 0.00006; ExAC 0.00009; gnomAD 0.00031 and 0.00034; 1000 Genomes Project 0.00040; TOPMed 0.00041; ESP Exome Variant Server 0.00054; 1000 Genomes Project 30x 0.00062.

Submissions (4):

Labcorp Genetics (formerly Invitae), Labcorp
Classification: Likely benign. Last evaluated: 2025-10-23. Review status: criteria provided, single submitter. Criteria: Invitae Variant Classification Sherloc (09022015). Collection method: clinical testing. Allele origin: germline.

Mayo Clinic Laboratories, Mayo Clinic
Classification: Likely benign. Last evaluated: 2025-01-27. Review status: criteria provided, single submitter. Criteria: ACMG Guidelines, 2015. Collection method: clinical testing. Allele origin: germline. Observed: 1 variant allele.
Comment: BS1, BP4, BP7

Blueprint Genetics
Classification: Likely benign. Last evaluated: 2023-07-27. Review status: criteria provided, single submitter. Criteria: ACMG Guidelines, 2015. Collection method: clinical testing. Allele origin: germline.

PreventionGenetics, part of Exact Sciences
Classification: Likely benign for LPIN1-related condition. Last evaluated: 2020-07-15. Review status: no assertion criteria provided. Collection method: clinical testing. Allele origin: germline. Not counted in ClinVar's aggregate classification.
Comment: This variant is classified as likely benign based on ACMG/AMP sequence variant interpretation guidelines (Richards et al. 2015 PMID: 25741868, with internal and published modifications).